The following is an entry in ClinVar:

ClinVar aggregate classification (germline): Uncertain significance (1 of 4 stars; one submission).

Conditions:
Glycogen storage disease type III (GSD3). Also called: Cori disease; FORBES DISEASE. Identifiers: Orphanet 366, MedGen C0017922, MONDO:0009291, OMIM 232400.

Submission:

Labcorp Genetics (formerly Invitae), Labcorp
Classification: Uncertain significance for Glycogen storage disease type III. Last evaluated: 2022-05-30. Review status: criteria provided, single submitter. Criteria: Invitae Variant Classification Sherloc (09022015). Collection method: clinical testing. Allele origin: germline.
Comment: In summary, the available evidence is currently insufficient to determine the role of this variant in disease. Therefore, it has been classified as a Variant of Uncertain Significance. Algorithms developed to predict the effect of missense changes on protein structure and function (SIFT, PolyPhen-2, Align-GVGD) all suggest that this variant is likely to be tolerated. This variant has not been reported in the literature in individuals affected with AGL-related conditions. This variant is not present in population databases (gnomAD no frequency). This sequence change replaces glutamic acid, which is acidic and polar, with aspartic acid, which is acidic and polar, at codon 629 of the AGL protein (p.Glu629Asp).

NM_000642.3(AGL):c.1887G>C (p.Glu629Asp)

Gene: AGL (amylo-alpha-1,6-glucosidase and 4-alpha-glucanotransferase; plus strand). Cytogenetic location: 1p21.2.
Variant type: single nucleotide variant.
Coding change: c.1887G>C on transcript NM_000642.3 (MANE Select); coding-DNA position 1887, G replaced by C.
Protein change: p.Glu629Asp; replaces glutamic acid 629 with aspartic acid.
Molecular consequence: missense variant.
Genome position (GRCh38, 1-based): chr1:99,880,783, G>C. VCF-style: chr1-99880783-G-C. GRCh37 (hg19) VCF-style: chr1-100346339-G-C.
Other names: c.1887G>C, p.Glu629Asp (NM_000028.3, NM_000643.3, NM_000644.3 and 2 more transcripts); c.1839G>C, p.Glu613Asp (NM_000646.3); c.1686G>C, p.Glu562Asp (NM_001425327.1); c.1683G>C, p.Glu561Asp (NM_001425328.1, NM_001425329.1); c.1509G>C, p.Glu503Asp (NM_001425332.1); short protein forms E613D, E629D, E503D, E561D, E562D.
Identifiers: ClinVar variation 2081042 (VCV002081042.2), dbSNP rs2524644417, ClinGen allele CA341317110.
Genomic context (GRCh38, chr1:99,880,783, plus strand): 5'-GAGGCCTTTAATGCCAGCTATTGCACATGCCCTGTTTATGGATATTACGCATGATAATGA[G>C]TGTCCTATTGTGGTAAGCACCTAATCTTTTTCATGTACTTATTTTGCTAAATGCTTTGAT-3'
Protein context (NP_000633.2, residues 619-639): ALFMDITHDN[Glu629Asp]CPIVHRSAYD